The following is an entry in ClinVar:

ClinVar aggregate classification (germline): Uncertain significance (1 of 4 stars; one submission).

Submission:

Labcorp Genetics (formerly Invitae), Labcorp
Classification: Uncertain significance. Last evaluated: 2021-12-29. Review status: criteria provided, single submitter. Criteria: Invitae Variant Classification Sherloc (09022015). Collection method: clinical testing. Allele origin: germline.
Comment: In summary, the available evidence is currently insufficient to determine the role of this variant in disease. Therefore, it has been classified as a Variant of Uncertain Significance. Algorithms developed to predict the effect of missense changes on protein structure and function are either unavailable or do not agree on the potential impact of this missense change (SIFT: "Deleterious"; PolyPhen-2: "Probably Damaging"; Align-GVGD: "Class C0"). This variant has not been reported in the literature in individuals affected with GPAA1-related conditions. This variant is not present in population databases (gnomAD no frequency). This sequence change replaces glycine, which is neutral and non-polar, with aspartic acid, which is acidic and polar, at codon 588 of the GPAA1 protein (p.Gly588Asp).

NM_003801.4(GPAA1):c.1763G>A (p.Gly588Asp)

Gene: GPAA1 (glycosylphosphatidylinositol anchor attachment 1; plus strand). Cytogenetic location: 8q24.3.
Variant type: single nucleotide variant.
Coding change: c.1763G>A on transcript NM_003801.4 (MANE Select); coding-DNA position 1763, G replaced by A.
Protein change: p.Gly588Asp; replaces glycine 588 with aspartic acid.
Molecular consequence: missense variant.
Genome position (GRCh38, 1-based): chr8:144,086,022, G>A. VCF-style: chr8-144086022-G-A. GRCh37 (hg19) VCF-style: chr8-145140925-G-A.
Other names: short protein forms G588D.
Identifiers: ClinVar variation 2065367 (VCV002065367.4), dbSNP rs2129949632, ClinGen allele CA372509154.